The following is an entry in ClinVar:

NM_152703.5(SAMD9L):c.115A>G (p.Ser39Gly)

Gene: SAMD9L (sterile alpha motif domain containing 9 like; minus strand). Cytogenetic location: 7q21.2.
Variant type: single nucleotide variant.
Coding change: c.115A>G on transcript NM_152703.5 (MANE Select); coding-DNA position 115, A replaced by G.
Protein change: p.Ser39Gly; replaces serine 39 with glycine.
Molecular consequence: missense variant.
Genome position (GRCh38, 1-based): chr7:93,135,857, T>C on the plus strand (A>G on the coding strand, the complement: SAMD9L is on the minus strand). VCF-style: chr7-93135857-T-C. GRCh37 (hg19) VCF-style: chr7-92765170-T-C.
Other names: c.115A>G, p.Ser39Gly (NM_001303498.3, NM_001303500.3, NM_001350082.2 and 5 more transcripts); short protein forms S39G.
Identifiers: ClinVar variation 3792503 (VCV003792503.1).
Genomic context (GRCh38, chr7:93,135,857, plus strand): 5'-CCATTTCTACAAGGTCCTTCTCAGTTAATTCCTGCAGGACTAATCCTGTTACTTCTTCAC[T>C]GAGCAGAATTTGCCCGTATTGCTCATTAATCTTAAGGTCTTCATTTACCCATTTTTTCAC-3'
Protein context (NP_689916.2, residues 29-49): INEQYGQILL[Ser39Gly]EEVTGLVLQE

ClinVar aggregate classification (germline): Uncertain significance (1 of 4 stars; one submission).

Conditions:
Inborn genetic diseases. Identifiers: MedGen C0950123, MeSH D030342.

Submission:

Ambry Genetics
Classification: Uncertain significance for Inborn genetic diseases. Last evaluated: 2025-03-08. Review status: criteria provided, single submitter. Criteria: Ambry Variant Classification Scheme 2023. Collection method: clinical testing. Allele origin: germline.
Comment: The p.S39G variant (also known as c.115A>G), located in coding exon 1 of the SAMD9L gene, results from an A to G substitution at nucleotide position 115. The serine at codon 39 is replaced by glycine, an amino acid with similar properties. This amino acid position is conserved. In addition, this alteration is predicted to be tolerated by in silico analysis. Based on the available evidence, the clinical significance of this variant remains unclear.